The following is an entry in ClinVar:

NM_000094.4(COL7A1):c.5135G>A (p.Gly1712Glu)

Gene: COL7A1 (collagen type VII alpha 1 chain; minus strand). Cytogenetic location: 3p21.31.
Variant type: single nucleotide variant.
Coding change: c.5135G>A on transcript NM_000094.4 (MANE Select); coding-DNA position 5135, G replaced by A.
Protein change: p.Gly1712Glu; replaces glycine 1712 with glutamic acid.
Molecular consequence: missense variant.
Genome position (GRCh38, 1-based): chr3:48,579,804, C>T on the plus strand (G>A on the coding strand, the complement: COL7A1 is on the minus strand). VCF-style: chr3-48579804-C-T. GRCh37 (hg19) VCF-style: chr3-48617237-C-T.
Other names: short protein forms G1712E.
Identifiers: ClinVar variation 3251718 (VCV003251718.1), dbSNP rs2044603793.

ClinVar aggregate classification (germline): Uncertain significance (1 of 4 stars; one submission).

Allele frequency attached by ClinVar (database versions not stated): gnomAD 0.00001; TOPMed 0.00001.

Submission:

Women's Health and Genetics/Laboratory Corporation of America, LabCorp
Classification: Uncertain significance. Last evaluated: 2024-04-24. Review status: criteria provided, single submitter. Criteria: LabCorp Variant Classification Summary - May 2015. Collection method: clinical testing. Allele origin: germline.
Comment: Variant summary: COL7A1 c.5135G>A (p.Gly1712Glu) results in a non-conservative amino acid change in the encoded protein sequence. Three of five in-silico tools predict a damaging effect of the variant on protein function. The variant was absent in 251348 control chromosomes. The available data on variant occurrences in the general population are insufficient to allow any conclusion about variant significance. c.5135G>A has been reported in the literature in at least one compound heterozygou individual affected with Dystrophic Epidermolysis Bullosa, Recessive (e.g. Salas-Alanis_2000). These data do not allow any conclusion about variant significance. To our knowledge, no experimental evidence demonstrating an impact on protein function has been reported. The following publication has been ascertained in the context of this evaluation (PMID: 10944088). No submitters have cited clinical-significance assessments for this variant to ClinVar. Based on the evidence outlined above, the variant was classified as uncertain significance.

Literature cited by the submitters: PubMed 10944088.